The following is an entry in ClinVar:

NM_000051.4(ATM):c.4820C>T (p.Pro1607Leu)

Gene: ATM (ATM serine/threonine kinase; plus strand). Cytogenetic location: 11q22.3.
Variant type: single nucleotide variant.
Coding change: c.4820C>T on transcript NM_000051.4 (MANE Select); coding-DNA position 4820, C replaced by T.
Protein change: p.Pro1607Leu; replaces proline 1607 with leucine.
Molecular consequence: missense variant.
Genome position (GRCh38, 1-based): chr11:108,294,970, C>T. VCF-style: chr11-108294970-C-T. GRCh37 (hg19) VCF-style: chr11-108165697-C-T.
Other names: c.4820C>T, p.Pro1607Leu (NM_001351834.2); short protein forms P1607L.
Identifiers: ClinVar variation 655032 (VCV000655032.9), dbSNP rs864622462, ClinGen allele CA382536675.
Genomic context (GRCh38, chr11:108,294,970, plus strand): 5'-TACATTTTCTCTTTTAGGAAATTAACCATTTTCTCTCAGTAAGTGTTTATGATGCACTTC[C>T]ATTGACAAGACTTGAAGGACTAAAGGATCTTCGAAGACAACTGGAACTACATAAAGATCA-3'
Protein context (NP_000042.3, residues 1597-1617): FLSVSVYDAL[Pro1607Leu]LTRLEGLKDL

ClinVar aggregate classification (germline): Uncertain significance. Review status: criteria provided, multiple submitters, no conflicts (2 of 4 stars). 2 submissions from 2 submitters: Uncertain significance (2). Last evaluated 2025-01-15.

Conditions:
Ataxia-telangiectasia syndrome (AT). Also called: ATAXIA-TELANGIECTASIA, FRESNO VARIANT; Ataxia-telangiectasia, complementation group D; Cerebello-oculocutaneous telangiectasia; Immunodeficiency with ataxia telangiectasia; Ataxia-telangiectasia; Ataxia telangiectasia (A-T). Identifiers: Orphanet 100, MedGen C0004135, MONDO:0008840, OMIM 208900.
Hereditary cancer-predisposing syndrome. Also called: Neoplastic Syndromes, Hereditary; Hereditary neoplastic syndrome; Hereditary Cancer Syndrome; Tumor predisposition. Identifiers: Orphanet 140162, MedGen C0027672, MeSH D009386, MONDO:0015356.

Submissions (2):

Ambry Genetics
Classification: Uncertain significance for Hereditary cancer-predisposing syndrome. Last evaluated: 2025-01-15. Review status: criteria provided, single submitter. Criteria: Ambry Variant Classification Scheme 2023. Collection method: clinical testing. Allele origin: germline.
Comment: The p.P1607L variant (also known as c.4820C>T), located in coding exon 31 of the ATM gene, results from a C to T substitution at nucleotide position 4820. The proline at codon 1607 is replaced by leucine, an amino acid with similar properties. This amino acid position is highly conserved in available vertebrate species. In addition, the in silico prediction for this alteration is inconclusive. Based on the available evidence, the clinical significance of this variant remains unclear.

Labcorp Genetics (formerly Invitae), Labcorp
Classification: Uncertain significance for Ataxia-telangiectasia syndrome. Last evaluated: 2022-02-18. Review status: criteria provided, single submitter. Criteria: Invitae Variant Classification Sherloc (09022015). Collection method: clinical testing. Allele origin: germline.
Comment: This sequence change replaces proline, which is neutral and non-polar, with leucine, which is neutral and non-polar, at codon 1607 of the ATM protein (p.Pro1607Leu). This variant is not present in population databases (gnomAD no frequency). In summary, the available evidence is currently insufficient to determine the role of this variant in disease. Therefore, it has been classified as a Variant of Uncertain Significance. Advanced modeling of protein sequence and biophysical properties (such as structural, functional, and spatial information, amino acid conservation, physicochemical variation, residue mobility, and thermodynamic stability) performed at Invitae indicates that this missense variant is not expected to disrupt ATM protein function. ClinVar contains an entry for this variant (Variation ID: 655032). This variant has not been reported in the literature in individuals affected with ATM-related conditions.